The following is an entry in ClinVar:

NM_000023.4(SGCA):c.506A>T (p.Glu169Val)

Gene: SGCA (sarcoglycan alpha; plus strand). Cytogenetic location: 17q21.33.
Variant type: single nucleotide variant.
Coding change: c.506A>T on transcript NM_000023.4 (MANE Select); coding-DNA position 506, A replaced by T.
Protein change: p.Glu169Val; replaces glutamic acid 169 with valine.
Molecular consequence: missense variant. On other transcripts: non-coding transcript variant (1).
Genome position (GRCh38, 1-based): chr17:50,168,494, A>T. VCF-style: chr17-50168494-A-T. GRCh37 (hg19) VCF-style: chr17-48245855-A-T.
Other names: c.506A>T, p.Glu169Val (NM_001135697.3); short protein forms E169V.
Identifiers: ClinVar variation 1426508 (VCV001426508.5), dbSNP rs376376394, ClinGen allele CA8643816.
Genomic context (GRCh38, chr17:50,168,494, plus strand): 5'-TGCCCTCAACACCTGCCAGCCGCTTCCTCTCAGCCTTGGGGGGACTCTGGGAGCCCGGAG[A>T]GCTTCAGCTGCTCAACGTCACCTCTGCCTTGGACCGTGGGGGCCGTGTCCCCCTTCCCAT-3'
Protein context (NP_000014.1, residues 159-179): SALGGLWEPG[Glu169Val]LQLLNVTSAL

ClinVar aggregate classification (germline): Uncertain significance (1 of 4 stars; one submission).

Conditions:
Autosomal recessive limb-girdle muscular dystrophy type 2D (LGMDR3). Also called: DUCHENNE-LIKE AUTOSOMAL RECESSIVE MUSCULAR DYSTROPHY, TYPE 2; ADHALINOPATHY, PRIMARY; MUSCULAR DYSTROPHY, LIMB-GIRDLE, AUTOSOMAL RECESSIVE 3. Identifiers: Orphanet 62, MedGen C2936332, MONDO:0011968, OMIM 608099. Disease mechanism: Affects gamma-sarcoglycan and also disrupts the integrity of the entire sarcoglycan complex..

Allele frequency attached by ClinVar (database versions not stated): gnomAD 0.00001; gnomAD exomes 0.00001; TOPMed 0.00001; ExAC 0.00003; ESP Exome Variant Server 0.00008.

Submission:

Labcorp Genetics (formerly Invitae), Labcorp
Classification: Uncertain significance for Autosomal recessive limb-girdle muscular dystrophy type 2D. Last evaluated: 2021-08-28. Review status: criteria provided, single submitter. Criteria: Invitae Variant Classification Sherloc (09022015). Collection method: clinical testing. Allele origin: germline.
Comment: This sequence change replaces glutamic acid with valine at codon 169 of the SGCA protein (p.Glu169Val). The glutamic acid residue is weakly conserved and there is a moderate physicochemical difference between glutamic acid and valine. This variant is present in population databases (rs376376394, ExAC 0.006%). This variant has not been reported in the literature in individuals affected with SGCA-related conditions. Algorithms developed to predict the effect of missense changes on protein structure and function (SIFT, PolyPhen-2, Align-GVGD) all suggest that this variant is likely to be tolerated. In summary, the available evidence is currently insufficient to determine the role of this variant in disease. Therefore, it has been classified as a Variant of Uncertain Significance.